The following is an entry in ClinVar:

NM_030973.4(MED25):c.743C>T (p.Pro248Leu)

Gene: MED25 (mediator complex subunit 25; plus strand). Cytogenetic location: 19q13.33.
Variant type: single nucleotide variant.
Coding change: c.743C>T on transcript NM_030973.4 (MANE Select); coding-DNA position 743, C replaced by T.
Protein change: p.Pro248Leu; replaces proline 248 with leucine.
Molecular consequence: missense variant.
Genome position (GRCh38, 1-based): chr19:49,830,142, C>T. VCF-style: chr19-49830142-C-T. GRCh37 (hg19) VCF-style: chr19-50333399-C-T.
Other names: c.743C>T, p.Pro248Leu (NM_001378355.1); short protein forms P248L.
Identifiers: ClinVar variation 1917913 (VCV001917913.5), dbSNP rs2514511055, ClinGen allele CA406913972.

ClinVar aggregate classification (germline): Uncertain significance (1 of 4 stars; one submission).

Conditions:
Charcot-Marie-Tooth disease type 2. Also called: Charcot-Marie-Tooth type 2. Identifiers: Orphanet 64746, MedGen C0270914, MONDO:0018993.

Submission:

Labcorp Genetics (formerly Invitae), Labcorp
Classification: Uncertain significance for Charcot-Marie-Tooth disease type 2. Last evaluated: 2022-11-22. Review status: criteria provided, single submitter. Criteria: Invitae Variant Classification Sherloc (09022015). Collection method: clinical testing. Allele origin: germline.
Comment: This variant has not been reported in the literature in individuals affected with MED25-related conditions. This variant is not present in population databases (gnomAD no frequency). This sequence change replaces proline, which is neutral and non-polar, with leucine, which is neutral and non-polar, at codon 248 of the MED25 protein (p.Pro248Leu). Algorithms developed to predict the effect of missense changes on protein structure and function are either unavailable or do not agree on the potential impact of this missense change (SIFT: "Deleterious"; PolyPhen-2: "Benign"; Align-GVGD: "Class C0"). In summary, the available evidence is currently insufficient to determine the role of this variant in disease. Therefore, it has been classified as a Variant of Uncertain Significance.